The following is an entry in ClinVar:

NM_018993.4(RIN2):c.2416A>C (p.Thr806Pro)

Gene: RIN2 (Ras and Rab interactor 2; plus strand). Cytogenetic location: 20p11.23.
Variant type: single nucleotide variant.
Coding change: c.2416A>C on transcript NM_018993.4 (MANE Select); coding-DNA position 2416, A replaced by C.
Protein change: p.Thr806Pro; replaces threonine 806 with proline.
Molecular consequence: missense variant.
Genome position (GRCh38, 1-based): chr20:20,000,664, A>C. VCF-style: chr20-20000664-A-C. GRCh37 (hg19) VCF-style: chr20-19981308-A-C.
Other names: c.2563A>C, p.Thr855Pro (NM_001242581.2); c.1798A>C, p.Thr600Pro (NM_001378238.1); short protein forms T855P, T600P, T806P.
Identifiers: ClinVar variation 2010414 (VCV002010414.4), dbSNP rs2515657658, ClinGen allele CA408367491.

ClinVar aggregate classification (germline): Uncertain significance (1 of 4 stars; one submission).

Allele frequency attached by ClinVar (database versions not stated): gnomAD exomes below 0.00001.
gnomAD v4.1: 1 of 1,611,442 alleles (0.000062%); highest among the groups gnomAD compares: Non-Finnish European, 0.000085%; no homozygotes.

Submission:

Labcorp Genetics (formerly Invitae), Labcorp
Classification: Uncertain significance. Last evaluated: 2022-06-24. Review status: criteria provided, single submitter. Criteria: Invitae Variant Classification Sherloc (09022015). Collection method: clinical testing. Allele origin: germline.
Comment: This sequence change replaces threonine, which is neutral and polar, with proline, which is neutral and non-polar, at codon 806 of the RIN2 protein (p.Thr806Pro). This variant is not present in population databases (gnomAD no frequency). This variant has not been reported in the literature in individuals affected with RIN2-related conditions. Algorithms developed to predict the effect of missense changes on protein structure and function are either unavailable or do not agree on the potential impact of this missense change (SIFT: "Deleterious"; PolyPhen-2: "Not Available"; Align-GVGD: "Class C0"). In summary, the available evidence is currently insufficient to determine the role of this variant in disease. Therefore, it has been classified as a Variant of Uncertain Significance.